The following is an entry in ClinVar:

NM_000540.3(RYR1):c.9690_9691delinsAA (p.Gly3231Arg)

Gene: RYR1 (ryanodine receptor 1; plus strand). Cytogenetic location: 19q13.2.
Variant type: Indel.
Coding change: c.9690_9691delinsAA on transcript NM_000540.3 (MANE Select); coding-DNA positions 9690 to 9691, GG replaced by AA.
Protein change: p.Gly3231Arg; replaces glycine 3231 with arginine.
Molecular consequence: missense variant.
Genome position (GRCh38, 1-based): chr19:38,517,363-38,517,364, GG replaced by AA. VCF-style: chr19-38517363-GG-AA. GRCh37 (hg19) VCF-style: chr19-39008003-GG-AA.
Other names: c.9690_9691delinsAA, p.Gly3231Arg (NM_001042723.2); short protein forms G3231R.
Identifiers: ClinVar variation 4757364 (VCV004757364.1).
Genomic context (GRCh38, chr19:38,517,363, plus strand): 5'-CACTGAGGTCTGGGGGTGATGGCTTGACATTCCCTGCCCCCGTCCCTGTACCCCAGTCCT[GG>AA]GGCTCCCCAACAGTGTGGAGGAGATGTGTCCCGACATCCCGGTGCTGGAGCGGCTCATGG-3'
Protein context (NP_000531.2, residues 3221-3241): TKSPRERAIL[Gly3231Arg]LPNSVEEMCP

ClinVar aggregate classification (germline): Uncertain significance (1 of 4 stars; one submission).

Conditions:
Malignant hyperthermia, susceptibility to, 1 (MHS1). Also called: RYR1-Related Malignant Hyperthermia Susceptibility; Malignant hyperthermia suceptibility 1; Anesthesia related hyperthermia; Malignant hyperpyrexia; Fulminating hyperpyrexia; Pharmacogenic myopathy. Identifiers: Orphanet 423, MedGen C2930980, MONDO:0007783, OMIM 145600.

Submission:

Color Diagnostics, LLC DBA Color Health
Classification: Uncertain significance for Malignant hyperthermia, susceptibility to, 1. Last evaluated: 2025-07-07. Review status: criteria provided, single submitter. Criteria: ACMG Guidelines, 2015. Collection method: clinical testing. Allele origin: germline.
Comment: This missense variant replaces glycine with arginine at codon 3231 of the RYR1 protein. To our knowledge, functional studies have not been reported for this variant. This variant has not been reported in individuals affected with RYR1-related disorders in the literature. This variant has not been identified in the general population by the Genome Aggregation Database (gnomAD). The available evidence is insufficient to determine the role of this variant in disease conclusively. Therefore, this variant is classified as a Variant of Uncertain Significance.